The following is an entry in ClinVar:

ClinVar aggregate classification (germline): Uncertain significance (1 of 4 stars; one submission).

Conditions:
Cardiomyopathy (CMYO). Also called: Cardiomyopathies. Identifiers: Orphanet 167848, MedGen C0878544, MONDO:0004994, HP:0001638. Inheritance: Various modes of inheritance.

Submission:

Color Diagnostics, LLC DBA Color Health
Classification: Uncertain significance for Cardiomyopathy. Last evaluated: 2023-01-23. Review status: criteria provided, single submitter. Criteria: ACMG Guidelines, 2015. Collection method: clinical testing. Allele origin: germline.
Comment: This missense variant replaces arginine with threonine at codon 2516 of the DSP protein. Computational prediction suggests that this variant may not impact protein structure and function (internally defined REVEL score threshold <= 0.5, PMID: 27666373). To our knowledge, functional studies have not been reported for this variant. This variant has not been reported in individuals affected with DSP-related disorders in the literature. This variant has not been identified in the general population by the Genome Aggregation Database (gnomAD). The available evidence is insufficient to determine the role of this variant in disease conclusively. Therefore, this variant is classified as a Variant of Uncertain Significance.

NM_004415.4(DSP):c.7547G>C (p.Arg2516Thr)

Gene: DSP (desmoplakin; plus strand). Cytogenetic location: 6p24.3.
Variant type: single nucleotide variant.
Coding change: c.7547G>C on transcript NM_004415.4 (MANE Select); coding-DNA position 7547, G replaced by C.
Protein change: p.Arg2516Thr; replaces arginine 2516 with threonine.
Molecular consequence: missense variant.
Genome position (GRCh38, 1-based): chr6:7,584,809, G>C. VCF-style: chr6-7584809-G-C. GRCh37 (hg19) VCF-style: chr6-7585042-G-C.
Other names: c.5750G>C, p.Arg1917Thr (NM_001008844.3); c.6218G>C, p.Arg2073Thr (NM_001319034.2); short protein forms R2073T, R2516T, R1917T.
Identifiers: ClinVar variation 2775366 (VCV002775366.2), dbSNP rs2533946451, ClinGen allele CA362693255.